The following is an entry in ClinVar:

NM_053025.4(MYLK):c.2394C>A (p.Asn798Lys)

Gene: MYLK (myosin light chain kinase; minus strand). Cytogenetic location: 3q21.1.
Variant type: single nucleotide variant.
Coding change: c.2394C>A on transcript NM_053025.4 (MANE Select); coding-DNA position 2394, C replaced by A.
Protein change: p.Asn798Lys; replaces asparagine 798 with lysine.
Molecular consequence: missense variant.
Genome position (GRCh38, 1-based): chr3:123,701,506, G>T on the plus strand (C>A on the coding strand, the complement: MYLK is on the minus strand). VCF-style: chr3-123701506-G-T. GRCh37 (hg19) VCF-style: chr3-123420353-G-T.
Other names: c.1866C>A, p.Asn622Lys (NM_001321309.2); c.2187C>A, p.Asn729Lys (NM_053026.4, NM_053028.4); c.2394C>A, p.Asn798Lys (NM_053027.4); short protein forms N622K, N729K, N798K.
Identifiers: ClinVar variation 1988392 (VCV001988392.4), dbSNP rs1359456989, ClinGen allele CA354232761.

ClinVar aggregate classification (germline): Uncertain significance (1 of 4 stars; one submission).

Conditions:
Aortic aneurysm, familial thoracic 7 (AAT7). Also called: AORTIC DISSECTION, FAMILIAL, WITH OR WITHOUT AORTIC ANEURYSM. Identifiers: MedGen C3151077, MONDO:0013418, OMIM 613780.

Submission:

Labcorp Genetics (formerly Invitae), Labcorp
Classification: Uncertain significance for Aortic aneurysm, familial thoracic 7. Last evaluated: 2022-02-11. Review status: criteria provided, single submitter. Criteria: Invitae Variant Classification Sherloc (09022015). Collection method: clinical testing. Allele origin: germline.
Comment: This sequence change replaces asparagine, which is neutral and polar, with lysine, which is basic and polar, at codon 798 of the MYLK protein (p.Asn798Lys). This variant is not present in population databases (gnomAD no frequency). This variant has not been reported in the literature in individuals affected with MYLK-related conditions. Advanced modeling of protein sequence and biophysical properties (such as structural, functional, and spatial information, amino acid conservation, physicochemical variation, residue mobility, and thermodynamic stability) performed at Invitae indicates that this missense variant is not expected to disrupt MYLK protein function. In summary, the available evidence is currently insufficient to determine the role of this variant in disease. Therefore, it has been classified as a Variant of Uncertain Significance.